The following is an entry in ClinVar:

ClinVar aggregate classification (germline): Likely benign. Review status: criteria provided, multiple submitters, no conflicts (2 of 4 stars). 2 submissions from 2 submitters: Likely benign (2). Last evaluated 2025-08-05.

Allele frequency attached by ClinVar (database versions not stated): gnomAD exomes 0.00001; TOPMed 0.00001.

Submissions (2):

Mayo Clinic Laboratories, Mayo Clinic
Classification: Likely benign. Last evaluated: 2025-08-05. Review status: criteria provided, single submitter. Criteria: ACMG Guidelines, 2015. Collection method: clinical testing. Allele origin: germline. Observed: 1 variant allele.
Comment: BP4, BP7

Labcorp Genetics (formerly Invitae), Labcorp
Classification: Likely benign. Last evaluated: 2025-08-03. Review status: criteria provided, single submitter. Criteria: Invitae Variant Classification Sherloc (09022015). Collection method: clinical testing. Allele origin: germline.

NM_002972.4(SBF1):c.687C>T (p.Ala229=)

Gene: SBF1 (SET binding factor 1; minus strand). Cytogenetic location: 22q13.33.
Variant type: single nucleotide variant.
Coding change: c.687C>T on transcript NM_002972.4 (MANE Select); coding-DNA position 687, C replaced by T.
Protein change: p.Ala229=; no amino-acid change (alanine 229 retained).
Molecular consequence: synonymous variant.
Genome position (GRCh38, 1-based): chr22:50,466,451, G>A on the plus strand (C>T on the coding strand, the complement: SBF1 is on the minus strand). VCF-style: chr22-50466451-G-A. GRCh37 (hg19) VCF-style: chr22-50904880-G-A.
Other names: p.Ala229=; c.690C>T, p.Ala230= (NM_001365819.1, NM_001410794.1); c.687C>T, p.Ala229= (NM_001410795.1, NM_197971.1).
Identifiers: ClinVar variation 2970076 (VCV002970076.4), dbSNP rs1040257085, ClinGen allele CA325535341.